The following is an entry in ClinVar:

ClinVar aggregate classification (germline): Conflicting classifications of pathogenicity. Review status: criteria provided, conflicting classifications (1 of 4 stars). 2 submissions from 2 submitters: Uncertain significance (1); Likely benign (1). Last evaluated 2025-12-11.

Allele frequency attached by ClinVar (database versions not stated): ExAC 0.00002; gnomAD 0.00004; gnomAD exomes 0.00004; TOPMed 0.00005.
gnomAD v4.1: 67 of 1,614,132 alleles (0.0042%); highest among the groups gnomAD compares: Non-Finnish European, 0.0056%; no homozygotes.

Submissions (2):

Labcorp Genetics (formerly Invitae), Labcorp
Classification: Uncertain significance. Last evaluated: 2025-12-11. Review status: criteria provided, single submitter. Criteria: Invitae Variant Classification Sherloc (09022015). Collection method: clinical testing. Allele origin: germline.
Comment: This sequence change replaces asparagine, which is neutral and polar, with serine, which is neutral and polar, at codon 244 of the BACH2 protein (p.Asn244Ser). This variant is present in population databases (rs751985212, gnomAD 0.008%). This variant has not been reported in the literature in individuals affected with BACH2-related conditions. ClinVar contains an entry for this variant (Variation ID: 1934941). Invitae Evidence Modeling of protein sequence and biophysical properties (such as structural, functional, and spatial information, amino acid conservation, physicochemical variation, residue mobility, and thermodynamic stability) indicates that this missense variant is not expected to disrupt BACH2 protein function with a negative predictive value of 80%. In summary, the available evidence is currently insufficient to determine the role of this variant in disease. Therefore, it has been classified as a Variant of Uncertain Significance.

CeGaT Center for Human Genetics Tuebingen
Classification: Likely benign. Last evaluated: 2024-06-01. Review status: criteria provided, single submitter. Criteria: CeGaT Center For Human Genetics Tuebingen Variant Classification Criteria Version 2. Collection method: clinical testing. Allele origin: germline. Affected: yes. Observed: 1 variant allele.
Comment: BACH2: BP4, BS2

NM_021813.4(BACH2):c.731A>G (p.Asn244Ser)

Gene: BACH2 (BACH transcriptional regulator 2; minus strand). Cytogenetic location: 6q15.
Variant type: single nucleotide variant.
Coding change: c.731A>G on transcript NM_021813.4 (MANE Select); coding-DNA position 731, A replaced by G.
Protein change: p.Asn244Ser; replaces asparagine 244 with serine.
Molecular consequence: missense variant.
Genome position (GRCh38, 1-based): chr6:89,951,375, T>C on the plus strand (A>G on the coding strand, the complement: BACH2 is on the minus strand). VCF-style: chr6-89951375-T-C. GRCh37 (hg19) VCF-style: chr6-90661094-T-C.
Other names: c.731A>G, p.Asn244Ser (NM_001170794.2); short protein forms N244S.
Identifiers: ClinVar variation 1934941 (VCV001934941.23), dbSNP rs751985212, ClinGen allele CA3928121.
Genomic context (GRCh38, chr6:89,951,375, plus strand): 5'-TTGCTAGAGTTATCTTCCCGGAATGTGCTTGCAAAACCTGAGGTACTGTGTGATGATGCA[T>C]TATAGACATTCTTGGTACATGCAAGCTGGTATTTCTTGTATCTGGGGTACTGCGTTAACG-3'
Protein context (NP_068585.1, residues 234-254): YQLACTKNVY[Asn244Ser]ASSHSTSGFA